The following is an entry in ClinVar:

ClinVar aggregate classification (germline): Pathogenic. Review status: criteria provided, multiple submitters, no conflicts (2 of 4 stars). 13 submissions from 13 submitters: Pathogenic (10). 3 of the submissions do not count toward it. Last evaluated 2025-11-05.

Conditions:
Cardiac arrhythmia. Also called: Cardiac rhythm disease; Arrhythmia. Identifiers: MedGen C0003811, MONDO:0007263, HP:0011675.
Cardiovascular phenotype. Identifiers: MedGen CN230736.
Long QT syndrome (LQTS). Identifiers: MedGen C0023976, MeSH D008133, MONDO:0002442. Disease mechanism: loss of function. Inheritance: Various modes of inheritance.
Long QT syndrome 1 (LQT1). Identifiers: Orphanet 101016, Orphanet 768, MedGen C4551647, MONDO:0100316, OMIM 192500, MONDO:0008646.

Submissions 1 to 7 of 13:

GeneDx
Classification: Pathogenic. Last evaluated: 2025-11-05. Review status: criteria provided, single submitter. Criteria: GeneDx Variant Classification Process June 2021. Collection method: clinical testing. Allele origin: germline. Affected: yes.
Comment: Identified in numerous patients with LQTS referred for genetic testing at GeneDx and in published literature; reported to be generally severe in clinical expression with patients demonstrating more frequent cardiac events beginning at younger ages compared to the overall LQTS population (PMID: 8528244, 10376919, 12402336, 16246960, 17984373, 22949429, 26118460, 29194874); Not observed at significant frequency in large population cohorts (gnomAD); Published functional studies demonstrate a disruption of the normal electrophysiological properties and a non-functional channel (PMID: 15051636, 21854832, 22095730, 24705789, 34505893); In silico analysis supports that this missense variant has a deleterious effect on protein structure/function; This variant is associated with the following publications: (PMID: 9570196, 29740400, 21810471, 25634836, 10376919, 24705789, 21854832, 24912595, 15051636, 12402336, 22949429, 17984373, 26910742, 26118460, 28003625, 8528244, 29194874, 18308161, 14678125, 16627448, 19841300, 8872472, 8818942, 17470695, 9386136, 16155735, 16922724, 15840476, 15234419, 19716085, 10973849, 29439887, 30898243, 30878014, 31737537, 30847666, 32443288, 36243179, 34546463, 34505893, 32383558, 32470535, 34860437, 16246960, 22095730, 39166328)

Ambry Genetics
Classification: Pathogenic for Cardiovascular phenotype. Last evaluated: 2025-10-08. Review status: criteria provided, single submitter. Criteria: Ambry Variant Classification Scheme 2023. Collection method: clinical testing. Allele origin: germline.
Comment: The c.1022C>T (p.A341V) alteration is located in exon 7 (coding exon 7) of the KCNQ1 gene. This alteration results from a C to T substitution at nucleotide position 1022, causing the alanine (A) at amino acid position 341 to be replaced by a valine (V). This variant was not reported in population-based cohorts in the Genome Aggregation Database (gnomAD). This alteration (historically described as A212V) has been reported as de novo in a family with monozygotic twins with long QT syndrome (LQTS) (Russell, 1996). In addition, this variant has been reported in numerous individuals and families with LQTS, including reports as a founder mutation associated with severe phenotype in a large South African cohort (Wang, 1996; Anastasakis, 2006; Crotti, 2007). Additional alterations at this CpG dinucleotide position and in nearby amino acids have also been reported association with LQTS, leading researchers to consider this as a hot spot region (Wang, 1996; Russell, 1996; Crotti, 2007). This amino acid position is highly conserved in available vertebrate species. Functional studies demonstrated a defective protein producing little or no activating potassium channel current, thereby causing a pronounced prolongation of repolarization (Mikuni, 2011; Heijman, 2012). This alteration is predicted to be deleterious by in silico analysis. Based on the available evidence, this alteration is classified as pathogenic.

Color Diagnostics, LLC DBA Color Health
Classification: Pathogenic for Cardiac arrhythmia. Last evaluated: 2025-07-08. Review status: criteria provided, single submitter. Criteria: ACMG Guidelines, 2015. Collection method: clinical testing. Allele origin: germline.
Comment: This missense variant replaces alanine with valine at codon 341 of the KCNQ1 protein. This variant is located within the conserved transmembrane domain S6 (a.a. 328-348) of the KCNQ1 protein. Rare non-truncating variants in this region have been shown to be significantly overrepresented in individuals with long QT syndrome (PMID: 32893267). Computational prediction suggests that this variant may have a deleterious impact on protein structure and function. In vitro functional studies have shown that this variant causes an absence of functional channel expression and significant reduction in activating potassium channel current (PMID: 21854832, 22095730). This variant has been reported in more than forty individuals affected with long QT syndrome (PMID: 8528244, 10973849, 15234419, 16246960, 16627448, 24217263, 26318259, 30956674, 32893267, 33900377). It has been shown that this variant segregates with disease in multiple affected individuals across multiple families (PMID: 15234419, 16246960, 16627448, 30956674). This variant has not been identified in the general population by the Genome Aggregation Database (gnomAD). A different variant affecting the same codon, p.Ala341Glu, is considered to be disease-causing (ClinVar variation ID: 3120), suggesting that alanine at this position is important for KCNQ1 protein function. Based on the available evidence, this variant is classified as Pathogenic.

Labcorp Genetics (formerly Invitae), Labcorp
Classification: Pathogenic for Long QT syndrome. Last evaluated: 2025-06-06. Review status: criteria provided, single submitter. Criteria: Invitae Variant Classification Sherloc (09022015). Collection method: clinical testing. Allele origin: germline.
Comment: This sequence change replaces alanine, which is neutral and non-polar, with valine, which is neutral and non-polar, at codon 341 of the KCNQ1 protein (p.Ala341Val). This variant is not present in population databases (gnomAD no frequency). This missense change has been observed in individuals with long QT syndrome (LQTS) (PMID: 16246960, 16627448). It is commonly reported in individuals of South African ancestry (PMID: 8528244, 15051636, 16246960, 16627448, 17984373, 22949429, 25634836). ClinVar contains an entry for this variant (Variation ID: 3121). Invitae Evidence Modeling of protein sequence and biophysical properties (such as structural, functional, and spatial information, amino acid conservation, physicochemical variation, residue mobility, and thermodynamic stability) indicates that this missense variant is expected to disrupt KCNQ1 protein function with a positive predictive value of 95%. Experimental studies have shown that this missense change affects KCNQ1 function (PMID: 10376919, 16246960, 21854832, 22095730). This variant disrupts the p.Ala341 amino acid residue in KCNQ1. Other variant(s) that disrupt this residue have been determined to be pathogenic (PMID: 8528244, 10086971, 16627448). This suggests that this residue is clinically significant, and that variants that disrupt this residue are likely to be disease-causing. For these reasons, this variant has been classified as Pathogenic.

Mayo Clinic Laboratories, Mayo Clinic
Classification: Pathogenic. Last evaluated: 2024-05-28. Review status: criteria provided, single submitter. Criteria: ACMG Guidelines, 2015. Collection method: clinical testing. Allele origin: germline. Observed: 1 variant allele.
Comment: PP1_strong, PP3, PM1, PM2, PS3_supporting, PS4

Molecular Genetics Laboratory - Cardiogenetics, CHU de Nantes
Classification: Pathogenic for Long QT syndrome 1. Last evaluated: 2023-08-01. Review status: criteria provided, single submitter. Criteria: ACMG Guidelines, 2015. Collection method: clinical testing. Allele origin: germline. Affected: yes.

Victorian Clinical Genetics Services, Murdoch Childrens Research Institute
Classification: Pathogenic for Long QT syndrome 1. Last evaluated: 2023-07-17. Review status: criteria provided, single submitter. Criteria: ACMG Guidelines, 2015. Collection method: clinical testing. Allele origin: germline. Inheritance: Autosomal dominant inheritance. Affected: yes.
Comment: Based on the classification scheme VCGS_Germline_v1.3.4, this variant is classified as Pathogenic. Following criteria are met: 0103 - Dominant negative, loss of function and gain of function are known mechanisms of disease in this gene. Gain of function variants result exclusively in short QT syndrome (MIM#609621), while dominant negative and loss of function variants can cause long QT syndrome (LQTS, MIM#192500), atrial fibrillation (MIM#607554) and Jervell and Lange-Nielsen syndrome (JLNS, MIM#220400) (OMIM, PMIDs: 19632626, 28438721). (I) 0108 - This gene is known to be associated with both recessive and dominant disease. JLNS is characterized by congenital, bilateral deafness and variable degrees of QT prolongation, and is the only condition caused by biallelic variants (PMID: 28438721). (I) 0112 - The condition associated with this gene has incomplete penetrance (OMIM, PMID: 20301308). (I) 0200 - Variant is predicted to result in a missense amino acid change from alanine to valine. (I) 0251 - This variant is heterozygous. (I) 0301 - Variant is absent from gnomAD (both v2 and v3). (SP) 0501 - Missense variant consistently predicted to be damaging by multiple in silico tools or highly conserved with a major amino acid change. (SP) 0600 - Variant is located in the annotated S6 transmembrane domain (PMID: 19716085). (I) 0702 - Other missense variants comparable to the one identified in this case have strong previous evidence for pathogenicity. An alternative change to a glutamic acid and a glycine have been reported in multiple individuals with LQTS (ClinVar, PMID: 19716085). (SP) 0801 - This variant has strong previous evidence of pathogenicity in unrelated individuals. This variant has been reported as a South African founder mutation and has multiple pathogenic entries in ClinVar (PMID: 24217263, 19716085). (SP) Legend: (SP) - Supporting pathogenic, (I) - Information, (SB) - Supporting benign

NM_000218.3(KCNQ1):c.1022C>T (p.Ala341Val)

Gene: KCNQ1 (potassium voltage-gated channel subfamily Q member 1; plus strand). Cytogenetic location: 11p15.5.
Variant type: single nucleotide variant.
Coding change: c.1022C>T on transcript NM_000218.3 (MANE Select); coding-DNA position 1022, C replaced by T.
Protein change: p.Ala341Val; replaces alanine 341 with valine.
Molecular consequence: missense variant.
Genome position (GRCh38, 1-based): chr11:2,583,535, C>T. VCF-style: chr11-2583535-C-T. GRCh37 (hg19) VCF-style: chr11-2604765-C-T.
Other names: p.A341V:GCG>GTG; c.1022C>T (LRG_287t1); c.1022C>T, p.Ala341Val (NM_001406836.1); c.752C>T, p.Ala251Val (NM_001406837.1); c.578C>T, p.Ala193Val (NM_001406838.1); c.641C>T, p.Ala214Val (NM_181798.2); short protein forms A341V, A214V, A193V, A251V.
Identifiers: ClinVar variation 3121 (VCV000003121.31), dbSNP rs12720459, ClinGen allele CA004897.